The following is an entry in ClinVar:

NM_005379.4(MYO1A):c.881G>A (p.Arg294His)

Gene: MYO1A (myosin IA; minus strand). Cytogenetic location: 12q13.3.
Variant type: single nucleotide variant.
Coding change: c.881G>A on transcript NM_005379.4 (MANE Select); coding-DNA position 881, G replaced by A.
Protein change: p.Arg294His; replaces arginine 294 with histidine.
Molecular consequence: missense variant.
Genome position (GRCh38, 1-based): chr12:57,043,867, C>T on the plus strand (G>A on the coding strand, the complement: MYO1A is on the minus strand). VCF-style: chr12-57043867-C-T. GRCh37 (hg19) VCF-style: chr12-57437651-C-T.
Other names: c.881G>A, p.Arg294His (NM_001256041.2); short protein forms R294H.
Identifiers: ClinVar variation 45313 (VCV000045313.6), dbSNP rs368189667, ClinGen allele CA136014.
Genomic context (GRCh38, chr12:57,043,867, plus strand): 5'-TAGGAAATTCAGGGTCTGGGTAGGAGCTCCAGCAGGCTGGGATGCAGACCTCTCCCATCA[C>T]GGATGCCACTTGCTGGTATCCCACTGGCCTGGAACTCATCAGCCACCAACACGTTCCCCA-3'
Protein context (NP_005370.1, residues 284-304): QASGIPASGI[Arg294His]DGRGVREIGE

ClinVar aggregate classification (germline): Conflicting classifications of pathogenicity. Review status: criteria provided, conflicting classifications (1 of 4 stars). 2 submissions from 2 submitters: Uncertain significance (1); Likely benign (1). Last evaluated 2024-11-27.

Allele frequency attached by ClinVar (database versions not stated): gnomAD 0.00020 and 0.00022; TOPMed 0.00020; ExAC 0.00024; ESP Exome Variant Server 0.00038.

Submissions (2):

Blueprint Genetics
Classification: Likely benign. Last evaluated: 2024-11-27. Review status: criteria provided, single submitter. Criteria: ACMG Guidelines, 2015. Collection method: clinical testing. Allele origin: germline.

Laboratory for Molecular Medicine, Mass General Brigham Personalized Medicine
Classification: Uncertain significance. Last evaluated: 2013-01-17. Review status: criteria provided, single submitter. Criteria: LMM Criteria. Collection method: clinical testing. Allele origin: germline. Observed: 1 variant allele.
Comment: Variant classified as Uncertain Significance - Favor Benign. The Arg294His varia nt in MYO1A has not been reported in the literature nor previously identified by our laboratory. Computational analyses (biochemical amino acid properties, cons ervation, AlignGVGD, PolyPhen2, and SIFT) suggest that the Arg294His variant may not impact the protein, though this information is not predictive enough to rul e out pathogenicity. This variant has been identified in 0.06% (5/8600) of Europ ean American chromosomes in a broad population by the NHLBI Exome sequencing pro ject. Although this variant has been seen in the general population, its frequency is not high enough to rule out a pathogen ic role. In summary, the clinical significance of this variant cannot be determi ned with certainty; however based upon the computational data and its presence i n the general population, we would lean towards a more likely benign role.